The following is an entry in ClinVar:

NM_000038.6(APC):c.6047A>G (p.Asp2016Gly)

Gene: APC (APC regulator of Wnt signaling pathway; plus strand). Cytogenetic location: 5q22.2.
Variant type: single nucleotide variant.
Coding change: c.6047A>G on transcript NM_000038.6 (MANE Select); coding-DNA position 6047, A replaced by G.
Protein change: p.Asp2016Gly; replaces aspartic acid 2016 with glycine.
Molecular consequence: missense variant.
Genome position (GRCh38, 1-based): chr5:112,841,641, A>G. VCF-style: chr5-112841641-A-G. GRCh37 (hg19) VCF-style: chr5-112177338-A-G.
Other names: c.6047A>G, p.Asp2016Gly (NM_001127510.3, NM_001354895.2); c.5993A>G, p.Asp1998Gly (NM_001127511.3); c.6101A>G, p.Asp2034Gly (NM_001354896.2); c.6077A>G, p.Asp2026Gly (NM_001354897.2); c.5972A>G, p.Asp1991Gly (NM_001354898.2); c.5963A>G, p.Asp1988Gly (NM_001354899.2); c.5924A>G, p.Asp1975Gly (NM_001354900.2); c.5870A>G, p.Asp1957Gly (NM_001354901.2); and 5 more; short protein forms D1998G, D2016G, D1915G, D1957G, D1975G, D1856G, D1890G, D1988G.
Identifiers: ClinVar variation 482508 (VCV000482508.6), dbSNP rs1554087168, ClinGen allele CA16034564.

ClinVar aggregate classification (germline): Uncertain significance (1 of 4 stars; one submission).

Conditions:
Hereditary cancer-predisposing syndrome. Also called: Neoplastic Syndromes, Hereditary; Tumor predisposition; Hereditary Cancer Syndrome; Hereditary neoplastic syndrome. Identifiers: Orphanet 140162, MedGen C0027672, MeSH D009386, MONDO:0015356.

Allele frequency attached by ClinVar (database versions not stated): gnomAD exomes below 0.00001.
gnomAD v4.1: 2 of 1,613,536 alleles (0.00012%); highest among the groups gnomAD compares: Non-Finnish European, 0.00017%; no homozygotes.

Submission:

Ambry Genetics
Classification: Uncertain significance for Hereditary cancer-predisposing syndrome. Last evaluated: 2023-06-12. Review status: criteria provided, single submitter. Criteria: Ambry Variant Classification Scheme 2023. Collection method: clinical testing. Allele origin: germline.
Comment: The p.D2016G variant (also known as c.6047A>G), located in coding exon 15 of the APC gene, results from an A to G substitution at nucleotide position 6047. The aspartic acid at codon 2016 is replaced by glycine, an amino acid with similar properties. This amino acid position is highly conserved in available vertebrate species. In addition, in silico predictors for this gene do not accurately predict pathogenicity. Since supporting evidence is limited at this time, the clinical significance of this alteration remains unclear.